The following is an entry in ClinVar:

ClinVar aggregate classification (germline): Uncertain significance. Review status: criteria provided, multiple submitters, no conflicts (2 of 4 stars). 2 submissions from 2 submitters: Uncertain significance (2). Last evaluated 2025-04-15.

Conditions:
Inborn genetic diseases. Identifiers: MedGen C0950123, MeSH D030342.

Allele frequency attached by ClinVar (database versions not stated): ExAC 0.00001; gnomAD exomes 0.00002 and 0.00001.
gnomAD v4.1: 4 of 1,613,882 alleles (0.00025%); highest among the groups gnomAD compares: East Asian, 0.0089%; no homozygotes.

Submissions (2):

Ambry Genetics
Classification: Uncertain significance for Inborn genetic diseases. Last evaluated: 2025-04-15. Review status: criteria provided, single submitter. Criteria: Ambry Variant Classification Scheme 2023. Collection method: clinical testing. Allele origin: germline.

Labcorp Genetics (formerly Invitae), Labcorp
Classification: Uncertain significance. Last evaluated: 2021-06-01. Review status: criteria provided, single submitter. Criteria: Invitae Variant Classification Sherloc (09022015). Collection method: clinical testing. Allele origin: germline.
Comment: Algorithms developed to predict the effect of missense changes on protein structure and function (SIFT, PolyPhen-2, Align-GVGD) all suggest that this variant is likely to be tolerated, but these predictions have not been confirmed by published functional studies and their clinical significance is uncertain. This variant has not been reported in the literature in individuals with TUBGCP6-related conditions. This variant is present in population databases (rs766054611, ExAC 0.01%). This sequence change replaces glutamine with glutamic acid at codon 124 of the TUBGCP6 protein (p.Gln124Glu). The glutamine residue is moderately conserved and there is a small physicochemical difference between glutamine and glutamic acid. In summary, the available evidence is currently insufficient to determine the role of this variant in disease. Therefore, it has been classified as a Variant of Uncertain Significance.

NM_020461.4(TUBGCP6):c.370C>G (p.Gln124Glu)

Gene: TUBGCP6 (tubulin gamma complex component 6; minus strand). Cytogenetic location: 22q13.33.
Variant type: single nucleotide variant.
Coding change: c.370C>G on transcript NM_020461.4 (MANE Select); coding-DNA position 370, C replaced by G.
Protein change: p.Gln124Glu; replaces glutamine 124 with glutamic acid.
Molecular consequence: missense variant.
Genome position (GRCh38, 1-based): chr22:50,244,090, G>C on the plus strand (C>G on the coding strand, the complement: TUBGCP6 is on the minus strand). VCF-style: chr22-50244090-G-C. GRCh37 (hg19) VCF-style: chr22-50682519-G-C.
Other names: c.370C>G (NM_020461.3); short protein forms Q124E.
Identifiers: ClinVar variation 1356892 (VCV001356892.7), dbSNP rs766054611, ClinGen allele CA10309066.